The following is an entry in ClinVar:

NM_002661.5(PLCG2):c.2912C>T (p.Pro971Leu)

Gene: PLCG2 (phospholipase C gamma 2; plus strand). Cytogenetic location: 16q23.3.
Variant type: single nucleotide variant.
Coding change: c.2912C>T on transcript NM_002661.5 (MANE Select); coding-DNA position 2912, C replaced by T.
Protein change: p.Pro971Leu; replaces proline 971 with leucine.
Molecular consequence: missense variant.
Genome position (GRCh38, 1-based): chr16:81,936,238, C>T. VCF-style: chr16-81936238-C-T. GRCh37 (hg19) VCF-style: chr16-81969843-C-T.
Other names: c.2912C>T (NM_002661.3); short protein forms P971L.
Identifiers: ClinVar variation 424263 (VCV000424263.9), dbSNP rs770381413, ClinGen allele CA8194475.

ClinVar aggregate classification (germline): Uncertain significance. Review status: criteria provided, multiple submitters, no conflicts (2 of 4 stars). 4 submissions from 4 submitters: Uncertain significance (4). Last evaluated 2023-01-31.

Conditions:
Inborn genetic diseases. Identifiers: MedGen C0950123, MeSH D030342.
Familial cold autoinflammatory syndrome 3 (FCAS3). Also called: FAMILIAL ATYPICAL COLD URTICARIA; ANTIBODY DEFICIENCY AND IMMUNE DYSREGULATION, PLCG2-ASSOCIATED. Identifiers: Orphanet 300359, MedGen C3280914, MONDO:0013766, OMIM 614468.
Autoinflammation-PLCG2-associated antibody deficiency-immune dysregulation. Also called: AUTOINFLAMMATION, ANTIBODY DEFICIENCY, AND IMMUNE DYSREGULATION; Autoinflammation, antibody deficiency, and immune dysregulation, plcg2-associated; Autoinflammation, antibody deficiency, and immune dysregulation syndrome. Identifiers: Orphanet 324530, MedGen C3553961, MONDO:0013944, OMIM 614878.

Allele frequency attached by ClinVar (database versions not stated): gnomAD exomes below 0.00001; TOPMed below 0.00001; ExAC 0.00001; gnomAD 0.00001.
gnomAD v4.1: 3 of 1,614,004 alleles (0.00019%); highest among the groups gnomAD compares: South Asian, 0.0011%; no homozygotes.

Submissions (4):

Labcorp Genetics (formerly Invitae), Labcorp
Classification: Uncertain significance for Familial cold autoinflammatory syndrome 3. Last evaluated: 2023-01-31. Review status: criteria provided, single submitter. Criteria: Invitae Variant Classification Sherloc (09022015). Collection method: clinical testing. Allele origin: germline.
Comment: In summary, the available evidence is currently insufficient to determine the role of this variant in disease. Therefore, it has been classified as a Variant of Uncertain Significance. Algorithms developed to predict the effect of missense changes on protein structure and function are either unavailable or do not agree on the potential impact of this missense change (SIFT: "Tolerated"; PolyPhen-2: "Possibly Damaging"; Align-GVGD: "Class C0"). This sequence change replaces proline, which is neutral and non-polar, with leucine, which is neutral and non-polar, at codon 971 of the PLCG2 protein (p.Pro971Leu). This variant is not present in population databases (gnomAD no frequency). This variant has not been reported in the literature in individuals affected with PLCG2-related conditions. ClinVar contains an entry for this variant (Variation ID: 424263).

Ambry Genetics
Classification: Uncertain significance for Inborn genetic diseases. Last evaluated: 2022-04-25. Review status: criteria provided, single submitter. Criteria: Ambry Variant Classification Scheme 2023. Collection method: clinical testing. Allele origin: germline.

Fulgent Genetics
Classification: Uncertain significance for Familial cold autoinflammatory syndrome 3; Autoinflammation-PLCG2-associated antibody deficiency-immune dysregulation. Last evaluated: 2022-03-10. Review status: criteria provided, single submitter. Criteria: ACMG Guidelines, 2015. Collection method: clinical testing. Allele origin: unknown.

GeneDx
Classification: Uncertain significance. Last evaluated: 2017-03-16. Review status: criteria provided, single submitter. Criteria: GeneDx Variant Classification (06012015). Collection method: clinical testing. Allele origin: germline. Affected: yes.
Comment: The P971L variant in the PLCG2 gene has not been reported previously as a pathogenic variant, noras a benign variant, to our knowledge. The P971L variant is observed in 1/16506 alleles (0.0061%)alleles from individuals of South Asian background in the ExAC dataset (Lek et al., 2016). The P971Lvariant is a semi-conservative amino acid substitution, that is conserved in mammals. In silico analysisis inconsistent in its predictions as to whether or not the variant is damaging to the proteinstructure/function. We interpret P971L as a variant of uncertain significance,